The following is an entry in ClinVar:

NM_001081.4(CUBN):c.7543G>A (p.Gly2515Ser)

Gene: CUBN (cubilin; minus strand). Cytogenetic location: 10p13.
Variant type: single nucleotide variant.
Coding change: c.7543G>A on transcript NM_001081.4 (MANE Select); coding-DNA position 7543, G replaced by A.
Protein change: p.Gly2515Ser; replaces glycine 2515 with serine.
Molecular consequence: missense variant.
Genome position (GRCh38, 1-based): chr10:16,907,670, C>T on the plus strand (G>A on the coding strand, the complement: CUBN is on the minus strand). VCF-style: chr10-16907670-C-T. GRCh37 (hg19) VCF-style: chr10-16949669-C-T.
Other names: short protein forms G2515S.
Identifiers: ClinVar variation 4738705 (VCV004738705.1).
Genomic context (GRCh38, chr10:16,907,670, plus strand): 5'-CATTGCTTACATTCACACTACTACACAGTTTCTCTAGCTGGGGTGAGTTACTTCTAATGC[C>T]ATTGAATACCTGTTGGAAAAAGAGTTTAACCTTCAGGCACACAATCCATCTTACTGCATA-3'
Protein context (NP_001072.2, residues 2505-2525): CNNEHVIVFN[Gly2515Ser]IRSNSPQLEK

ClinVar aggregate classification (germline): Uncertain significance (1 of 4 stars; one submission).

Conditions:
Imerslund-Grasbeck syndrome. Also called: ENTEROCYTE COBALAMIN MALABSORPTION; ENTEROCYTE INTRINSIC FACTOR RECEPTOR, DEFECT OF; Imerslund-Gräsbeck syndrome; PERNICIOUS ANEMIA, JUVENILE, DUE TO SELECTIVE INTESTINAL MALABSORPTION OF VITAMIN B12, WITH PROTEINURIA; Megaloblastic anemia due to inborn errors of metabolism. Identifiers: Orphanet 35858, MedGen C4551825, MONDO:0009853.

gnomAD v4.1: 60 of 1,611,914 alleles (0.0037%); highest among the groups gnomAD compares: Non-Finnish European, 0.0049%; no homozygotes.

Submission:

Labcorp Genetics (formerly Invitae), Labcorp
Classification: Uncertain significance for Imerslund-Grasbeck syndrome. Last evaluated: 2025-05-18. Review status: criteria provided, single submitter. Criteria: Invitae Variant Classification Sherloc (09022015). Collection method: clinical testing. Allele origin: germline.
Comment: This sequence change replaces glycine, which is neutral and non-polar, with serine, which is neutral and polar, at codon 2515 of the CUBN protein (p.Gly2515Ser). This variant is present in population databases (rs770885580, gnomAD 0.006%). This variant has not been reported in the literature in individuals affected with CUBN-related conditions. Invitae Evidence Modeling of protein sequence and biophysical properties (such as structural, functional, and spatial information, amino acid conservation, physicochemical variation, residue mobility, and thermodynamic stability) indicates that this missense variant is expected to disrupt CUBN protein function with a positive predictive value of 80%. In summary, the available evidence is currently insufficient to determine the role of this variant in disease. Therefore, it has been classified as a Variant of Uncertain Significance.